The following is an entry in ClinVar:

NM_001352754.2(ARMC9):c.1964C>T (p.Thr655Ile)

Gene: ARMC9 (armadillo repeat containing 9; plus strand). Cytogenetic location: 2q37.1.
Variant type: single nucleotide variant.
Coding change: c.1964C>T on transcript NM_001352754.2 (MANE Select); coding-DNA position 1964, C replaced by T.
Protein change: p.Thr655Ile; replaces threonine 655 with isoleucine.
Molecular consequence: missense variant. On other transcripts: non-coding transcript variant (1).
Genome position (GRCh38, 1-based): chr2:231,345,060, C>T. VCF-style: chr2-231345060-C-T. GRCh37 (hg19) VCF-style: chr2-232209772-C-T.
Other names: c.1859C>T, p.Thr620Ile (NM_001352759.2); c.1964C>T, p.Thr655Ile (NM_025139.6, NM_001271466.4, NM_001291656.2 and 2 more transcripts); c.1865C>T, p.Thr622Ile (NM_001352757.2, NM_001352758.2); short protein forms T620I, T655I, T622I.
Identifiers: ClinVar variation 1041219 (VCV001041219.12), dbSNP rs202164814, ClinGen allele CA2160555.

ClinVar aggregate classification (germline): Conflicting classifications of pathogenicity. Review status: criteria provided, conflicting classifications (1 of 4 stars). 5 submissions from 5 submitters: Uncertain significance (3); Likely benign (1). 1 of the submissions does not count toward it. Last evaluated 2025-10-14.

Conditions:
ARMC9-related disorder. Also called: ARMC9-related condition.

Allele frequency attached by ClinVar (database versions not stated): gnomAD 0.00019 and 0.00015; ExAC 0.00020; gnomAD exomes 0.00013 and 0.00030; TOPMed 0.00034.
gnomAD v4.1: 234 of 1,613,406 alleles (0.015%); highest among the groups gnomAD compares: Admixed American, 0.064%; no homozygotes.

Submissions (5):

Labcorp Genetics (formerly Invitae), Labcorp
Classification: Likely benign. Last evaluated: 2025-10-14. Review status: criteria provided, single submitter. Criteria: Invitae Variant Classification Sherloc (09022015). Collection method: clinical testing. Allele origin: germline.

Blueprint Genetics
Classification: Uncertain significance. Last evaluated: 2023-09-21. Review status: criteria provided, single submitter. Criteria: ACMG Guidelines, 2015. Collection method: clinical testing. Allele origin: germline.

GeneDx
Classification: Uncertain significance. Last evaluated: 2020-01-02. Review status: criteria provided, single submitter. Criteria: GeneDx Variant Classification Process June 2021. Collection method: clinical testing. Allele origin: germline. Affected: yes.
Comment: Has not been previously published as pathogenic or benign to our knowledge; In silico analysis, which includes protein predictors and evolutionary conservation, supports that this variant does not alter protein structure/function

Breakthrough Genomics
Classification: Uncertain significance. Review status: criteria provided, single submitter. Criteria: ACMG Guidelines, 2015. Collection method: not provided. Allele origin: germline. Inheritance: Autosomal recessive inheritance. Affected: yes.

PreventionGenetics, part of Exact Sciences
Classification: Likely benign for ARMC9-related condition. Last evaluated: 2022-03-09. Review status: no assertion criteria provided. Collection method: clinical testing. Allele origin: germline. Not counted in ClinVar's aggregate classification.
Comment: This variant is classified as likely benign based on ACMG/AMP sequence variant interpretation guidelines (Richards et al. 2015 PMID: 25741868, with internal and published modifications).